The following is an entry in ClinVar:

NM_001349884.2(DRAM2):c.126T>C (p.Tyr42=)

Gene: DRAM2 (DNA damage regulated autophagy modulator 2; minus strand). Cytogenetic location: 1p13.3.
Variant type: single nucleotide variant.
Coding change: c.126T>C on transcript NM_001349884.2 (MANE Select); coding-DNA position 126, T replaced by C.
Protein change: p.Tyr42=; no amino-acid change (tyrosine 42 retained).
Molecular consequence: synonymous variant. On other transcripts: 5 prime UTR variant (8), non-coding transcript variant (8).
Genome position (GRCh38, 1-based): chr1:111,131,429, A>G on the plus strand (T>C on the coding strand, the complement: DRAM2 is on the minus strand). VCF-style: chr1-111131429-A-G. GRCh37 (hg19) VCF-style: chr1-111674051-A-G.
Other names: c.126T>C (NM_178454.4); c.126T>C, p.Tyr42= (NM_001349881.2, NM_001349882.2, NM_001349885.2 and 1 more transcripts); c.-33T>C (NM_001349886.2, NM_001349887.2, NM_001349888.2); c.-125T>C (NM_001349889.2, NM_001349890.2, NM_001349892.2 and 1 more transcripts); c.-293T>C (NM_001349891.2).
Identifiers: ClinVar variation 1642415 (VCV001642415.10), dbSNP rs377326704, ClinGen allele CA1001947.

ClinVar aggregate classification (germline): Likely benign. Review status: criteria provided, multiple submitters, no conflicts (2 of 4 stars). 3 submissions from 3 submitters: Likely benign (2). 1 of the submissions does not count toward it. Last evaluated 2024-11-08.

Conditions:
DRAM2-related disorder. Also called: DRAM2-related condition.

Allele frequency attached by ClinVar (database versions not stated): ExAC 0.00002; gnomAD exomes 0.00003 and 0.00014; gnomAD 0.00004; TOPMed 0.00005; ESP Exome Variant Server 0.00008.
gnomAD v4.1: 206 of 1,613,252 alleles (0.013%); highest among the groups gnomAD compares: Non-Finnish European, 0.017%; no homozygotes.

Submissions (3):

Blueprint Genetics
Classification: Likely benign. Last evaluated: 2024-11-08. Review status: criteria provided, single submitter. Criteria: ACMG Guidelines, 2015. Collection method: clinical testing. Allele origin: germline.

Labcorp Genetics (formerly Invitae), Labcorp
Classification: Likely benign. Last evaluated: 2024-02-24. Review status: criteria provided, single submitter. Criteria: Invitae Variant Classification Sherloc (09022015). Collection method: clinical testing. Allele origin: germline.

PreventionGenetics, part of Exact Sciences
Classification: Likely benign for DRAM2-related condition. Last evaluated: 2020-01-31. Review status: no assertion criteria provided. Collection method: clinical testing. Allele origin: germline. Not counted in ClinVar's aggregate classification.
Comment: This variant is classified as likely benign based on ACMG/AMP sequence variant interpretation guidelines (Richards et al. 2015 PMID: 25741868, with internal and published modifications).